The following is an entry in ClinVar:

NM_001164508.2(NEB):c.19102-10_19102-4del

Gene: NEB (nebulin; minus strand). Cytogenetic location: 2q23.3.
Variant type: Deletion.
Coding change: c.19102-10_19102-4del on transcript NM_001164508.2 (MANE Select); 10 bases into the intron before coding-DNA position 19102 through 4 bases into the intron before coding-DNA position 19102, 7 bases deleted (TTGTCTA; older notation c.19102-10_19102-4delTTGTCTA).
Molecular consequence: intron variant.
Genome position (GRCh38, 1-based): chr2:151,561,112-151,561,118, TAGACAA deleted on the plus strand (TTGTCTA on the coding strand, the reverse complement: NEB is on the minus strand). VCF-style (leftmost placement, unchanged base first): chr2-151561111-GTAGACAA-G. GRCh37 (hg19) VCF-style: chr2-152417625-GTAGACAA-G.
Other names: c.13999-10_13999-4del (NM_004543.5); c.19102-10_19102-4del (NM_001164507.2, NM_001271208.2).
Identifiers: ClinVar variation 801769 (VCV000801769.8), dbSNP rs1577576425, ClinGen allele CA915942820.

ClinVar aggregate classification (germline): Uncertain significance. Review status: criteria provided, multiple submitters, no conflicts (2 of 4 stars). 4 submissions from 4 submitters: Uncertain significance (4). Last evaluated 2025-10-22.

Conditions:
Nemaline myopathy 2 (NEM2). Also called: Nemaline myopathy 2, autosomal recessive. Identifiers: MedGen C1850569, MONDO:0009725, OMIM 256030.

Submissions (4):

Mendelics
Classification: Uncertain significance for Nemaline myopathy 2. Last evaluated: 2025-10-22. Review status: criteria provided, single submitter. Criteria: Mendelics Assertion Criteria 2017. Collection method: clinical testing. Allele origin: unknown.
Comment: Variant NM_001164508.2(NEB):c.19102-10_19102-4del (Gnomad4.1.0 tag 2-151561111-GTAGACAA-G) continues to be absent from the GnomAD database. An internal review has led to the reclassification of this variant as a Variant of Uncertain Significance (VUS). The variant has been reported together with ClinVar Variation ID: 190457, though the cis or trans configuration has not been determined. In silico prediction using SpliceAI suggests it is likely pathogenic; however, experimental evidence to confirm this impact is currently unavailable.

Myriad Genetics, Inc.
Classification: Uncertain significance for Nemaline myopathy 2. Last evaluated: 2025-10-17. Review status: criteria provided, single submitter. Criteria: Myriad Autosomal Dominant, Autosomal Recessive and X-Linked Classification Criteria (2023). Collection method: clinical testing. Allele origin: unknown.
Comment: NM_001271208.1(NEB):c.19102-10_19102-4del7 is an intronic variant classified as a variant of uncertain significance in the context of NEB-related nemaline myopathy. c.19102-10_19102-4del7 has been observed in cases with relevant disease (PMID: 25205138, 26841830). Relevant functional assessments of this variant are available in the literature (PMID: 26841830). c.19102-10_19102-4del7 has not been observed in referenced population frequency databases. In summary, there is insufficient evidence to classify NM_001271208.1(NEB):c.19102-10_19102-4del7 as pathogenic or benign. Please note: this variant was assessed in the context of healthy population screening.

Labcorp Genetics (formerly Invitae), Labcorp
Classification: Uncertain significance for Nemaline myopathy 2. Last evaluated: 2023-05-08. Review status: criteria provided, single submitter. Criteria: Invitae Variant Classification Sherloc (09022015). Collection method: clinical testing. Allele origin: germline.
Comment: In summary, the available evidence is currently insufficient to determine the role of this variant in disease. Therefore, it has been classified as a Variant of Uncertain Significance. Algorithms developed to predict the effect of sequence changes on RNA splicing suggest that this variant may disrupt the consensus splice site. ClinVar contains an entry for this variant (Variation ID: 801769). This variant has been observed in individual(s) with NEB-related conditions (PMID: 25205138). In at least one individual the data is consistent with being in trans (on the opposite chromosome) from a pathogenic variant. This variant is not present in population databases (gnomAD no frequency). This sequence change falls in intron 122 of the NEB gene. It does not directly change the encoded amino acid sequence of the NEB protein.

Broad Center for Mendelian Genomics, Broad Institute of MIT and Harvard
Classification: Uncertain significance for Nemaline myopathy 2. Last evaluated: 2023-05-02. Review status: criteria provided, single submitter. Criteria: ACMG Guidelines, 2015. Collection method: curation. Allele origin: germline. Inheritance: Autosomal recessive inheritance.
Comment: Trio exome analysis revealed that this variant was in trans with a variant of uncertain significance (NC_000002.12:g.151548343C>T). The c.19102-10_19102-4del variant in NEB has been previously reported in one individual with nemaline myopathy 2 (PMID: 25205138). This variant is absent from population databases. This variant has also been reported in ClinVar (Variation ID: 801769) and has been interpreted as likely pathogenic by Mendelics. This variant is located in the 3' splice region. Computational tools do suggest an impact to splicing. However, this information is not predictive enough to determine pathogenicity. In summary, the clinical significance of the c.19102-10_19102-4del variant is uncertain. ACMG/AMP Criteria applied: PM2_Supporting, PM3_Supporting, PP3 (Richards 2015).

Literature cited by the submitters: PubMed 25205138 (cited by Myriad Genetics, Inc. and Labcorp Genetics (formerly Invitae), Labcorp); PubMed 26841830 (cited by Myriad Genetics, Inc.).